The following is an entry in ClinVar:

ClinVar aggregate classification (germline): Conflicting classifications of pathogenicity. Review status: criteria provided, conflicting classifications (1 of 4 stars). 2 submissions from 2 submitters: Uncertain significance (1); Likely benign (1). Last evaluated 2025-04-02.

Conditions:
Multiple endocrine neoplasia type 4. Also called: MULTIPLE ENDOCRINE NEOPLASIA, TYPE IV. Identifiers: Orphanet 276152, MedGen C1970712, MONDO:0012552, OMIM 610755.
Hereditary cancer-predisposing syndrome. Also called: Neoplastic Syndromes, Hereditary; Tumor predisposition; Hereditary neoplastic syndrome; Hereditary Cancer Syndrome. Identifiers: Orphanet 140162, MedGen C0027672, MeSH D009386, MONDO:0015356.

Allele frequency attached by ClinVar (database versions not stated): ExAC 0.00001.

Submissions (2):

Ambry Genetics
Classification: Likely benign for Hereditary cancer-predisposing syndrome. Last evaluated: 2025-04-02. Review status: criteria provided, single submitter. Criteria: Ambry Variant Classification Scheme 2023. Collection method: clinical testing. Allele origin: germline.

Labcorp Genetics (formerly Invitae), Labcorp
Classification: Uncertain significance for Multiple endocrine neoplasia type 4. Last evaluated: 2024-02-25. Review status: criteria provided, single submitter. Criteria: Invitae Variant Classification Sherloc (09022015). Collection method: clinical testing. Allele origin: germline.
Comment: This sequence change replaces glycine, which is neutral and non-polar, with aspartic acid, which is acidic and polar, at codon 82 of the CDKN1B protein (p.Gly82Asp). This variant is present in population databases (rs767720666, gnomAD 0.0009%). This variant has not been reported in the literature in individuals affected with CDKN1B-related conditions. ClinVar contains an entry for this variant (Variation ID: 1791612). Algorithms developed to predict the effect of missense changes on protein structure and function output the following: SIFT: "Not Available"; PolyPhen-2: "Benign"; Align-GVGD: "Not Available". The aspartic acid amino acid residue is found in multiple mammalian species, which suggests that this missense change does not adversely affect protein function. In summary, the available evidence is currently insufficient to determine the role of this variant in disease. Therefore, it has been classified as a Variant of Uncertain Significance.

NM_004064.5(CDKN1B):c.245G>A (p.Gly82Asp)

Gene: CDKN1B (cyclin dependent kinase inhibitor 1B; plus strand). Cytogenetic location: 12p13.1.
Variant type: single nucleotide variant.
Coding change: c.245G>A on transcript NM_004064.5 (MANE Select); coding-DNA position 245, G replaced by A.
Protein change: p.Gly82Asp; replaces glycine 82 with aspartic acid.
Molecular consequence: missense variant.
Genome position (GRCh38, 1-based): chr12:12,718,084, G>A. VCF-style: chr12-12718084-G-A. GRCh37 (hg19) VCF-style: chr12-12871018-G-A.
Other names: short protein forms G82D.
Identifiers: ClinVar variation 1791612 (VCV001791612.5), dbSNP rs767720666, ClinGen allele CA6457422.